The following is an entry in ClinVar:

NM_024794.3(EPHX3):c.690C>T (p.Pro230=)

Gene: EPHX3 (epoxide hydrolase 3; minus strand). Cytogenetic location: 19p13.12.
Variant type: single nucleotide variant.
Coding change: c.690C>T on transcript NM_024794.3 (MANE Select); coding-DNA position 690, C replaced by T.
Protein change: p.Pro230=; no amino-acid change (proline 230 retained).
Molecular consequence: synonymous variant.
Genome position (GRCh38, 1-based): chr19:15,228,027, G>A on the plus strand (C>T on the coding strand, the complement: EPHX3 is on the minus strand). VCF-style: chr19-15228027-G-A. GRCh37 (hg19) VCF-style: chr19-15338838-G-A.
Other names: c.690C>T, p.Pro230= (NM_001142886.2).
Identifiers: ClinVar variation 2649445 (VCV002649445.24), dbSNP rs779350585, ClinGen allele CA9264170.

ClinVar aggregate classification (germline): Likely benign (1 of 4 stars; one submission).

Allele frequency attached by ClinVar (database versions not stated): ExAC 0.00002; TOPMed 0.00002; gnomAD 0.00005.
gnomAD v4.1: 78 of 1,613,824 alleles (0.0048%); highest among the groups gnomAD compares: Non-Finnish European, 0.0058%; no homozygotes.

Submission:

CeGaT Center for Human Genetics Tuebingen
Classification: Likely benign. Last evaluated: 2022-10-01. Review status: criteria provided, single submitter. Criteria: CeGaT Center For Human Genetics Tuebingen Variant Classification Criteria Version 2. Collection method: clinical testing. Allele origin: germline. Affected: yes. Observed: 1 variant allele.
Comment: EPHX3: BP4, BP7